The following is an entry in ClinVar:

NM_144997.7(FLCN):c.1267C>T (p.His423Tyr)

Gene: FLCN (folliculin; minus strand). Cytogenetic location: 17p11.2.
Variant type: single nucleotide variant.
Coding change: c.1267C>T on transcript NM_144997.7 (MANE Select); coding-DNA position 1267, C replaced by T.
Protein change: p.His423Tyr; replaces histidine 423 with tyrosine.
Molecular consequence: missense variant.
Genome position (GRCh38, 1-based): chr17:17,216,413, G>A on the plus strand (C>T on the coding strand, the complement: FLCN is on the minus strand). VCF-style: chr17-17216413-G-A. GRCh37 (hg19) VCF-style: chr17-17119727-G-A.
Other names: c.1267C>T, p.His423Tyr (NM_001353230.2, NM_001353231.2); c.1267C>T (LRG_325t1); c.1321C>T, p.His441Tyr (NM_001353229.2); short protein forms H423Y, H441Y.
Identifiers: ClinVar variation 582392 (VCV000582392.12), dbSNP rs765628527, ClinGen allele CA8416082.

ClinVar aggregate classification (germline): Conflicting classifications of pathogenicity. Review status: criteria provided, conflicting classifications (1 of 4 stars). 5 submissions from 5 submitters: Uncertain significance (3); Benign (1); Likely benign (1). Last evaluated 2025-11-03.

Conditions:
Birt-Hogg-Dube syndrome. Also called: Birt Hogg Dubé syndrome. Identifiers: Orphanet 122, MedGen C0346010, MONDO:0800444.
Birt-Hogg-Dube syndrome 1 (BHD1). Also called: FIBROFOLLICULOMAS WITH TRICHODISCOMAS AND ACROCHORDONS. Identifiers: Orphanet 122, MedGen CN375946, MONDO:0800445, OMIM 135150.
Hereditary cancer-predisposing syndrome. Also called: Neoplastic Syndromes, Hereditary; Hereditary Cancer Syndrome; Tumor predisposition; Hereditary neoplastic syndrome. Identifiers: Orphanet 140162, MedGen C0027672, MeSH D009386, MONDO:0015356.

Allele frequency attached by ClinVar (database versions not stated): gnomAD exomes 0.00001; ExAC 0.00002.
gnomAD v4.1: 5 of 1,613,766 alleles (0.00031%); highest among the groups gnomAD compares: East Asian, 0.011%; no homozygotes.

Submissions (5):

Labcorp Genetics (formerly Invitae), Labcorp
Classification: Uncertain significance for Birt-Hogg-Dube syndrome. Last evaluated: 2025-11-03. Review status: criteria provided, single submitter. Criteria: Invitae Variant Classification Sherloc (09022015). Collection method: clinical testing. Allele origin: germline.
Comment: This sequence change replaces histidine, which is basic and polar, with tyrosine, which is neutral and polar, at codon 423 of the FLCN protein (p.His423Tyr). This variant is present in population databases (rs765628527, gnomAD 0.02%). This variant has not been reported in the literature in individuals affected with FLCN-related conditions. ClinVar contains an entry for this variant (Variation ID: 582392). Invitae Evidence Modeling of protein sequence and biophysical properties (such as structural, functional, and spatial information, amino acid conservation, physicochemical variation, residue mobility, and thermodynamic stability) indicates that this missense variant is not expected to disrupt FLCN protein function with a negative predictive value of 80%. Algorithms developed to predict the effect of sequence changes on RNA splicing suggest that this variant may create or strengthen a splice site. In summary, the available evidence is currently insufficient to determine the role of this variant in disease. Therefore, it has been classified as a Variant of Uncertain Significance.

Revvity Omics, Revvity
Classification: Uncertain significance. Last evaluated: 2025-02-05. Review status: criteria provided, single submitter. Criteria: ACMG Guidelines, 2015. Collection method: clinical testing. Allele origin: germline.

Myriad Genetics, Inc.
Classification: Likely benign for Birt-Hogg-Dube syndrome 1. Last evaluated: 2024-08-07. Review status: criteria provided, single submitter. Criteria: Myriad Autosomal Dominant, Autosomal Recessive and X-Linked Classification Criteria (2023). Collection method: clinical testing. Allele origin: unknown.
Comment: This variant is considered likely benign. This variant has been observed at a population frequency that is significantly greater than expected given the associated disease prevalence and penetrance.

Ambry Genetics
Classification: Benign for Hereditary cancer-predisposing syndrome. Last evaluated: 2024-06-11. Review status: criteria provided, single submitter. Criteria: Ambry Variant Classification Scheme 2023. Collection method: clinical testing. Allele origin: germline.

GeneDx
Classification: Uncertain significance. Last evaluated: 2024-02-05. Review status: criteria provided, single submitter. Criteria: GeneDx Variant Classification Process June 2021. Collection method: clinical testing. Allele origin: germline. Affected: yes.
Comment: Not observed at significant frequency in large population cohorts (gnomAD); In silico analysis supports a deleterious effect on splicing; In silico analysis supports that this missense variant does not alter protein structure/function; Has not been previously published as pathogenic or benign to our knowledge; This variant is associated with the following publications: (PMID: 17028174)